The following is an entry in ClinVar:

NM_025216.3(WNT10A):c.321C>A (p.Cys107Ter)

Gene: WNT10A (Wnt family member 10A; plus strand). Cytogenetic location: 2q35.
Variant type: single nucleotide variant.
Coding change: c.321C>A on transcript NM_025216.3 (MANE Select); coding-DNA position 321, C replaced by A.
Protein change: p.Cys107Ter; replaces cysteine 107 with a stop codon.
Molecular consequence: nonsense.
Genome position (GRCh38, 1-based): chr2:218,882,368, C>A. VCF-style: chr2-218882368-C-A. GRCh37 (hg19) VCF-style: chr2-219747090-C-A.
Other names: short protein forms C107*.
Identifiers: ClinVar variation 4461 (VCV000004461.84), dbSNP rs121908119, ClinGen allele CA116865.

ClinVar aggregate classification (germline): Pathogenic/Likely pathogenic. Review status: criteria provided, multiple submitters, no conflicts (2 of 4 stars). 40 submissions from 37 submitters: Pathogenic (27); Likely pathogenic (1). 12 of the submissions do not count toward it. Last evaluated 2026-09-01.

Conditions:
Ectodermal dysplasia WNT10A related. Identifiers: MedGen CN305516, MONDO:0100358.
WNT10A-related disorder. Also called: WNT10A-related disorders; WNT10A-related condition.
Inborn genetic diseases. Identifiers: MedGen C0950123, MeSH D030342.
Odonto-onycho-dermal dysplasia. Identifiers: Orphanet 2721, MedGen C0796093, MONDO:0009773, OMIM 257980.
Tooth agenesis, selective, 4 (STHAG4). Also called: SUCCEDANEOUS TEETH, AGENESIS OF; LATERAL INCISORS, ABSENCE OF; LATERAL INCISORS, PEGGED OR MISSING; TOOTH AGENESIS, SELECTIVE, 4, WITH OR WITHOUT ECTODERMAL DYSPLASIA. Identifiers: Orphanet 99798, MedGen C1835492, MONDO:0007881, OMIM 150400. Disease mechanism: loss of function.
Schöpf-Schulz-Passarge syndrome. Also called: ECCRINE TUMORS WITH ECTODERMAL DYSPLASIA; KERATOSIS PALMOPLANTARIS WITH CYSTIC EYELIDS, HYPODONTIA, AND HYPOTRICHOSIS; SchC6pf-Schulz-Passarge syndrome. Identifiers: Orphanet 50944, MedGen C1857069, MONDO:0009145, OMIM 224750.
Ectodermal dysplasia. Also called: Ectodermal dysplasia syndrome. Identifiers: Orphanet 79373, MedGen C0013575, MONDO:0019287, HP:0000968.

Allele frequency attached by ClinVar (database versions not stated): ExAC 0.00059; gnomAD exomes 0.00062 and 0.00151; TOPMed 0.00084; gnomAD 0.00087 and 0.00084.

Submissions 1 to 9 of 40:

CeGaT Center for Human Genetics Tuebingen
Classification: Pathogenic. Last evaluated: 2026-09-01. Review status: criteria provided, single submitter. Criteria: CeGaT Center For Human Genetics Tuebingen Variant Classification Criteria Version 2. Collection method: clinical testing. Allele origin: germline. Affected: yes. Observed: 6 variant alleles.
Comment: WNT10A: PM3:Very Strong, PVS1, PP1:Strong, PM2

Genetics Laboratory, Great Ormond Street Hospital NHS Foundation Trust, North Thames Genomic Laboratory Hub
Classification: Pathogenic for Ectodermal dysplasia. Last evaluated: 2026-07-22. Review status: criteria provided, single submitter. Criteria: ACGS Best Practice Guidelines for Variant Classification in Rare Disease 2024 v1.2. Collection method: clinical testing. Allele origin: germline. Affected: yes.
Comment: PVS1_very-strong, PM3_strong

Lupski Lab, Baylor-Hopkins CMG, Baylor College of Medicine
Classification: Pathogenic for Odonto-onycho-dermal dysplasia. Last evaluated: 2026-06-05. Review status: criteria provided, single submitter. Criteria: ACMG Guidelines, 2015. Collection method: research. Allele origin: paternal, maternal, germline. Inheritance: Autosomal recessive inheritance. Affected: yes and no. Observed: 28 variant alleles, 14 heterozygotes, 11 compound heterozygotes, 3 homozygotes. Clinical features observed: Sciatica (HP:0011868), Sensorimotor neuropathy (HP:0007141), Hypoesthesia (HP:0033748), Dry skin (HP:0000958), Thin skin (HP:0000963), Sparse eyelashes (HP:0000653), Fine hair (HP:0002213), Sparse body hair (HP:0002231), Sparse eyebrow (HP:0045075), Concave nail (HP:0001598), Thin fingernail (HP:0012742), Tooth agenesis (HP:0009804), and 71 more. Segregation with disease observed.
Comment: This c.321C>A variant segregates with Ectodermal dysplasia 16 in 8 unrelated families in our cohort. This variant is a null variant in a gene where loss-of-function is a known disease mechanism (PVS1_Very Strong= +8pts). The affected individuals in this submission each have a Pathogenic variant confirmed in trans or are homozygous (PM3_Very Strong= +8pts). 16 pts (PVS1 +8, PM3 +8).

Institute of Human Genetics, University of Leipzig Medical Center
Classification: Pathogenic for Tooth agenesis, selective, 4. Last evaluated: 2026-05-08. Review status: criteria provided, single submitter. Criteria: ACMG Guidelines, 2015. Collection method: clinical testing. Allele origin: unknown. Inheritance: Autosomal dominant inheritance. Affected: yes.
Comment: Criteria applied: PVS1,PS4

PreventionGenetics, part of Exact Sciences
Classification: Pathogenic for WNT10A-related condition. Last evaluated: 2026-05-05. Review status: criteria provided, single submitter. Criteria: ACMG Guidelines, 2015. Collection method: clinical testing. Allele origin: germline.
Comment: The WNT10A c.321C>A variant is predicted to result in premature protein termination (p.Cys107*). This variant has been reported in the compound heterozygous and homozygous states to be pathogenic for ectodermal dysplasia (Bohring et al. 2009. PubMed ID: 19559398; Vink et al. 2014. PubMed ID: 24398796; Guazzarotti et al. 2018. PubMed ID: 28976000). This variant has also been reported in the heterozygous state to be pathogenic for abnormal tooth shape and tooth number (Vink et al. 2014. PubMed ID: 24398796). This variant is reported in 0.13% of alleles in individuals of European (Non-Finnish) descent in gnomAD. Nonsense variants in WNT10A are expected to be pathogenic. This variant is interpreted as pathogenic.

Labcorp Genetics (formerly Invitae), Labcorp
Classification: Pathogenic for Tooth agenesis, selective, 4; Odonto-onycho-dermal dysplasia. Last evaluated: 2026-02-04. Review status: criteria provided, single submitter. Criteria: Invitae Variant Classification Sherloc (09022015). Collection method: clinical testing. Allele origin: germline.
Comment: This sequence change creates a premature translational stop signal (p.Cys107*) in the WNT10A gene. It is expected to result in an absent or disrupted protein product. Loss-of-function variants in WNT10A are known to be pathogenic (PMID: 17847007, 22581971, 25629078). This variant is present in population databases (rs121908119, gnomAD 0.1%), and has an allele count higher than expected for a pathogenic variant. This premature translational stop signal has been observed in individual(s) with odonto-onycho-dermal dysplasia, Schopf-Schultz-Passarge syndrome, and isolated tooth agenesis (PMID: 19559398, 23167694, 24398796, 25545742, 25629078). It has also been observed to segregate with disease in related individuals. ClinVar contains an entry for this variant (Variation ID: 4461). For these reasons, this variant has been classified as Pathogenic.

Variantyx, Inc.
Classification: Pathogenic for Odonto-onycho-dermal dysplasia. Last evaluated: 2026-01-07. Review status: criteria provided, single submitter. Criteria: Variantyx Assertion Criteria 2022. Collection method: clinical testing. Allele origin: germline. Inheritance: Autosomal recessive inheritance. Affected: yes.
Comment: This is a nonsense variant in the WNT10A gene (OMIM: 606268). Pathogenic variants in this gene have been associated with autosomal recessive WNT10A-related ectodermal dysplasia. This variant introduces a premature termination codon in exon 2 out of 4 and is expected to result in loss of function, which is a known disease mechanism for WNT10A in this spectrum disorder (PMID: 25629078, 29178643) (PVS1). It has been identified in the homozygous or compound heterozygous state in many unrelated individuals reported in the published literature affected with features of ectodermal dysplasia, including a case control study with an odds ratio of 87.00 (PMID: 19559398, 23167694, 24398796, 20163410, 25629078, 23167694). In addition, this variant was described in the heterozygous state in multiple individuals that had isolated dental anomalies or milder features of ectodermal dysplasia (PMID: 19559398, 25629078, 24398796, 23167694) (PS4_Very_Strong), and it has been observed to segregate with disease in at least 3 individuals from one family (PMID: 21279306) (PP1). This variant has a 0.1871% maximum allele frequency in non-founder control populations. Based on the current evidence, this variant is classified as pathogenic for autosomal recessive WNT10A-related ectodermal dysplasia.

Natera, Inc.
Classification: Pathogenic for Schopf-Schulz-Passarge syndrome. Last evaluated: 2025-07-29. Review status: criteria provided, single submitter. Criteria: Natera Variant Classification Schema (03/2026). Collection method: clinical testing. Allele origin: germline.
Comment: The c.321C>A variant in WNT10A is a nonsense variant predicted to introduce a stop codon at amino acid 107. This variant is expected to result in nonsense mediated decay, truncation, or a dysfunctional protein product. The frequency of this variant in the general population is greater than expected for disorder. This variant has been observed in one or more individuals affected with the associated recessive disease, as either homozygous or compound heterozygous with a second variant (PMID: 24398796). Additionally, this variant has been observed to segregate in affected family members (PMID: 24398796). Given the available evidence, this variant is classified as Pathogenic.

First Genomix Gene Laboratory, Genetic Diagnostics Department
Classification: Pathogenic for Odonto-onycho-dermal dysplasia; Schöpf-Schulz-Passarge syndrome; Tooth agenesis, selective, 4. Last evaluated: 2025-07-16. Review status: criteria provided, single submitter. Criteria: ACMG Guidelines, 2015. Collection method: clinical testing. Allele origin: germline. Inheritance: Autosomal recessive inheritance. Affected: no. Observed: 1 variant allele.